The following is an entry in ClinVar:

NM_033087.4(ALG2):c.385CGG[1] (p.Arg130del)

Gene: ALG2 (ALG2 alpha-1,3/1,6-mannosyltransferase; minus strand). Cytogenetic location: 9q22.33.
Variant type: Microsatellite.
Coding change: c.385CGG[1] on transcript NM_033087.4 (MANE Select); one copy of the 3-base unit CGG starting at c.385; the reference has two copies in a row; one copy, 3 bases deleted.
Protein change: p.Arg130del; deletes arginine 130.
Molecular consequence: inframe deletion. On other transcripts: non-coding transcript variant (1).
Genome position (GRCh38, 1-based): chr9:99,218,795-99,218,797, CCG deleted on the plus strand (CGG on the coding strand, the reverse complement: ALG2 is on the minus strand); deleting any 3 consecutive bases within chr9:99,218,795-99,218,800 gives the same sequence; the position shown is the placement nearest the transcript's 3' end. VCF-style (leftmost placement, unchanged base first): chr9-99218794-TCCG-T. GRCh37 (hg19) VCF-style: chr9-101981076-TCCG-T.
Other names: short protein forms R130del.
Identifiers: ClinVar variation 2069581 (VCV002069581.1), dbSNP rs779134943, ClinGen allele CA5156330.

ClinVar aggregate classification (germline): Uncertain significance (1 of 4 stars; one submission).

Conditions:
Congenital disorder of glycosylation, type Ii. Also called: ALG2-congenital disorder of glycosylation; CDG Ii; ALG2-CDG. Identifiers: Orphanet 79326, MedGen C1842836, MONDO:0011933, OMIM 607906.
Congenital myasthenic syndrome 14. Also called: Myasthenic syndrome, congenital, 14, with tubular aggregates. Identifiers: Orphanet 353327, Orphanet 590, MedGen C4015597, MONDO:0014543, OMIM 616228.

Submission:

Labcorp Genetics (formerly Invitae), Labcorp
Classification: Uncertain significance for Congenital disorder of glycosylation, type Ii; Congenital myasthenic syndrome 14. Last evaluated: 2022-06-17. Review status: criteria provided, single submitter. Criteria: Invitae Variant Classification Sherloc (09022015). Collection method: clinical testing. Allele origin: germline.
Comment: This variant, c.388_390del, results in the deletion of 1 amino acid(s) of the ALG2 protein (p.Arg130del), but otherwise preserves the integrity of the reading frame. This variant is present in population databases (rs779134943, gnomAD 0.002%). This variant has not been reported in the literature in individuals affected with ALG2-related conditions. Experimental studies and prediction algorithms are not available or were not evaluated, and the functional significance of this variant is currently unknown. In summary, the available evidence is currently insufficient to determine the role of this variant in disease. Therefore, it has been classified as a Variant of Uncertain Significance.